The following is an entry in ClinVar:

NM_001083962.2(TCF4):c.*5-68T>A

Gene: TCF4 (transcription factor 4; minus strand). Cytogenetic location: 18q21.2.
Variant type: single nucleotide variant.
Coding change: c.*5-68T>A on transcript NM_001083962.2 (MANE Select); 68 bases into the intron before 5 bases downstream of the stop codon, T replaced by A.
Molecular consequence: intron variant.
Genome position (GRCh38, 1-based): chr18:55,228,098, A>T on the plus strand (T>A on the coding strand, the complement: TCF4 is on the minus strand). VCF-style: chr18-55228098-A-T. GRCh37 (hg19) VCF-style: chr18-52895329-A-T.
Other names: c.*5-68T>A (NM_001243226.3, NM_001369584.1, NM_001369576.1 and 42 more transcripts).
Identifiers: ClinVar variation 670817 (VCV000670817.2), dbSNP rs185507582, ClinGen allele CA300792987.

ClinVar aggregate classification (germline): Likely benign. Review status: criteria provided, multiple submitters, no conflicts (2 of 4 stars). 2 submissions from 2 submitters: Likely benign (2). Last evaluated 2018-06-19.

Allele frequency attached by ClinVar (database versions not stated): 1000 Genomes Project 30x 0.00828; 1000 Genomes Project 0.00938; gnomAD 0.02182 and 0.02264; TOPMed 0.02283; gnomAD exomes 0.02800.
gnomAD v4.1: 34,045 of 1,255,098 alleles (2.7%); highest among the groups gnomAD compares: Non-Finnish European, 3.3%; 561 homozygotes.

Submissions (2):

GeneDx
Classification: Likely benign. Last evaluated: 2018-06-19. Review status: criteria provided, single submitter. Criteria: GeneDx Variant Classification (06012015). Collection method: clinical testing. Allele origin: germline. Affected: yes.
Comment: This variant is considered likely benign or benign based on one or more of the following criteria: it is a conservative change, it occurs at a poorly conserved position in the protein, it is predicted to be benign by multiple in silico algorithms, and/or has population frequency not consistent with disease.

Breakthrough Genomics
Classification: Likely benign. Review status: criteria provided, single submitter. Criteria: ACMG Guidelines, 2015. Collection method: not provided. Allele origin: germline. Inheritance: Autosomal dominant inheritance. Affected: yes.